The following is an entry in ClinVar:

NC_000014.8:g.(?_63174226)_(63511904_?)dup

Gene: KCNH5 (potassium voltage-gated channel subfamily H member 5; minus strand). Cytogenetic location: 14q23.2.
Variant type: Duplication.
Identifiers: ClinVar variation 3243964 (VCV003243964.1).

ClinVar aggregate classification (germline): Uncertain significance (1 of 4 stars; one submission).

Conditions:
Developmental and epileptic encephalopathy. Identifiers: MedGen C5779964, MONDO:0100620.

Submission:

Labcorp Genetics (formerly Invitae), Labcorp
Classification: Uncertain significance for Early-infantile DEE. Last evaluated: 2023-05-13. Review status: criteria provided, single submitter. Criteria: Invitae Variant Classification Sherloc (09022015). Collection method: clinical testing. Allele origin: unknown.
Comment: In summary, the available evidence is currently insufficient to determine the role of this variant in disease. Therefore, it has been classified as a Variant of Uncertain Significance. This variant has not been reported in the literature in individuals affected with KCNH5-related conditions. A copy number gain of the genomic region encompassing the full coding sequence of the KCNH5 gene has been identified. The boundaries of this event are unknown as they extend beyond the assayed region for this gene and therefore may encompass additional genes. As the precise location of this event is unknown, it may be in tandem or it may be located elsewhere in the genome.